The following is an entry in ClinVar:

NM_005751.5(AKAP9):c.9106G>A (p.Glu3036Lys)

Gene: AKAP9 (A-kinase anchoring protein 9; plus strand). Cytogenetic location: 7q21.2.
Variant type: single nucleotide variant.
Coding change: c.9106G>A on transcript NM_005751.5 (MANE Select); coding-DNA position 9106, G replaced by A.
Protein change: p.Glu3036Lys; replaces glutamic acid 3036 with lysine.
Molecular consequence: missense variant.
Genome position (GRCh38, 1-based): chr7:92,086,309, G>A. VCF-style: chr7-92086309-G-A. GRCh37 (hg19) VCF-style: chr7-91715623-G-A.
Other names: c.3751G>A, p.Glu1251Lys (NM_001379277.1); c.9082G>A, p.Glu3028Lys (NM_147185.3); short protein forms E3036K, E3028K, E1251K.
Identifiers: ClinVar variation 640735 (VCV000640735.9), dbSNP rs746297415, ClinGen allele CA161888844.
Genomic context (GRCh38, chr7:92,086,309, plus strand): 5'-CATGAGAGCTTCTCAGACTGGCGAGGTGAACTACTGCTTGCCCTTCAACAAGTTTTCTTA[G>A]AAGAGCGTAGTGTTTTACTAGCAGCATTTCGGACGGAGCTGACAGCTCTAGGTACTACAG-3'
Protein context (NP_005742.4, residues 3026-3046): LLLALQQVFL[Glu3036Lys]ERSVLLAAFR

ClinVar aggregate classification (germline): Conflicting classifications of pathogenicity. Review status: criteria provided, conflicting classifications (1 of 4 stars). 2 submissions from 2 submitters: Uncertain significance (1); Likely benign (1). Last evaluated 2025-11-07.

Conditions:
Long QT syndrome (LQTS). Identifiers: MedGen C0023976, MeSH D008133, MONDO:0002442. Disease mechanism: loss of function. Inheritance: Various modes of inheritance.
Cardiovascular phenotype. Identifiers: MedGen CN230736.

Allele frequency attached by ClinVar (database versions not stated): TOPMed below 0.00001; gnomAD exomes 0.00001.
gnomAD v4.1: 10 of 1,614,144 alleles (0.00062%); highest among the groups gnomAD compares: African/African-American, 0.0013%; no homozygotes.

Submissions (2):

Ambry Genetics
Classification: Likely benign for Cardiovascular phenotype. Last evaluated: 2025-11-07. Review status: criteria provided, single submitter. Criteria: Ambry Variant Classification Scheme 2023. Collection method: clinical testing. Allele origin: germline.

Labcorp Genetics (formerly Invitae), Labcorp
Classification: Uncertain significance for Long QT syndrome. Last evaluated: 2025-09-16. Review status: criteria provided, single submitter. Criteria: Invitae Variant Classification Sherloc (09022015). Collection method: clinical testing. Allele origin: germline.
Comment: This sequence change replaces glutamic acid, which is acidic and polar, with lysine, which is basic and polar, at codon 3036 of the AKAP9 protein (p.Glu3036Lys). This variant is not present in population databases (gnomAD no frequency). This variant has not been reported in the literature in individuals affected with AKAP9-related conditions. ClinVar contains an entry for this variant (Variation ID: 640735). An algorithm developed to predict the effect of missense changes on protein structure and function outputs the following: PolyPhen-2: "Benign". The lysine amino acid residue is found in multiple mammalian species, which suggests that this missense change does not adversely affect protein function. In summary, the available evidence is currently insufficient to determine the role of this variant in disease. Therefore, it has been classified as a Variant of Uncertain Significance.